The following is an entry in ClinVar:

NM_022367.4(SEMA4A):c.1010C>T (p.Ala337Val)

Gene: SEMA4A (semaphorin 4A; plus strand). Cytogenetic location: 1q22.
Variant type: single nucleotide variant.
Coding change: c.1010C>T on transcript NM_022367.4 (MANE Select); coding-DNA position 1010, C replaced by T.
Protein change: p.Ala337Val; replaces alanine 337 with valine.
Molecular consequence: missense variant.
Genome position (GRCh38, 1-based): chr1:156,162,970, C>T. VCF-style: chr1-156162970-C-T. GRCh37 (hg19) VCF-style: chr1-156132761-C-T.
Other names: c.1010C>T (NM_022367.3); c.1010C>T, p.Ala337Val (NM_001193300.2, NM_001193301.2, NM_001370567.1); c.614C>T, p.Ala205Val (NM_001193302.2); c.713C>T, p.Ala238Val (NM_001370568.1); c.503C>T, p.Ala168Val (NM_001370569.1, NM_001370571.1); short protein forms A168V, A205V, A238V, A337V.
Identifiers: ClinVar variation 1017186 (VCV001017186.10), dbSNP rs780302871, ClinGen allele CA1155248.

ClinVar aggregate classification (germline): Uncertain significance. Review status: criteria provided, multiple submitters, no conflicts (2 of 4 stars). 3 submissions from 3 submitters: Uncertain significance (3). Last evaluated 2025-08-09.

Allele frequency attached by ClinVar (database versions not stated): ExAC 0.00001; gnomAD exomes 0.00001.
gnomAD v4.1: 21 of 1,613,930 alleles (0.0013%); highest among the groups gnomAD compares: Middle Eastern, 0.034%; no homozygotes.

Submissions (3):

Ambry Genetics
Classification: Uncertain significance. Last evaluated: 2025-08-09. Review status: criteria provided, single submitter. Criteria: Ambry Variant Classification Scheme 2023. Collection method: clinical testing. Allele origin: germline.

Labcorp Genetics (formerly Invitae), Labcorp
Classification: Uncertain significance. Last evaluated: 2025-05-13. Review status: criteria provided, single submitter. Criteria: Invitae Variant Classification Sherloc (09022015). Collection method: clinical testing. Allele origin: germline.
Comment: This sequence change replaces alanine, which is neutral and non-polar, with valine, which is neutral and non-polar, at codon 337 of the SEMA4A protein (p.Ala337Val). This variant is present in population databases (rs780302871, gnomAD 0.003%). This variant has not been reported in the literature in individuals affected with SEMA4A-related conditions. ClinVar contains an entry for this variant (Variation ID: 1017186). Invitae Evidence Modeling of protein sequence and biophysical properties (such as structural, functional, and spatial information, amino acid conservation, physicochemical variation, residue mobility, and thermodynamic stability) indicates that this missense variant is expected to disrupt SEMA4A protein function with a positive predictive value of 80%. In summary, the available evidence is currently insufficient to determine the role of this variant in disease. Therefore, it has been classified as a Variant of Uncertain Significance.

Blueprint Genetics
Classification: Uncertain significance. Last evaluated: 2024-07-06. Review status: criteria provided, single submitter. Criteria: ACMG Guidelines, 2015. Collection method: clinical testing. Allele origin: germline.